The following is an entry in ClinVar:

NM_001903.5(CTNNA1):c.86del (p.Leu29fs)

Gene: CTNNA1 (catenin alpha 1; plus strand). Cytogenetic location: 5q31.2.
Variant type: Deletion.
Coding change: c.86del on transcript NM_001903.5 (MANE Select); coding-DNA position 86, one base deleted (T; older notation c.86delT).
Protein change: p.Leu29fs; shifts the reading frame from leucine 29.
Molecular consequence: frameshift variant. On other transcripts: 5 prime UTR variant (2).
Genome position (GRCh38, 1-based): chr5:138,782,010, T deleted; the last of 2 consecutive T bases (chr5:138,782,009-138,782,010); deleting either gives the same sequence. VCF-style (leftmost placement, unchanged base first): chr5-138782008-GT-G. GRCh37 (hg19) VCF-style: chr5-138117697-GT-G.
Other names: c.86del, p.Leu29fs (NM_001290307.3, NM_001323982.2, NM_001323983.1 and 3 more transcripts); c.-28del (NM_001290309.3); c.-121del (NM_001290310.3); short protein forms L29fs.
Identifiers: ClinVar variation 1416783 (VCV001416783.9), dbSNP rs745411817, ClinGen allele CA3431334.

ClinVar aggregate classification (germline): Pathogenic. Review status: criteria provided, multiple submitters, no conflicts (2 of 4 stars). 3 submissions from 3 submitters: Pathogenic (3). Last evaluated 2025-07-12.

Conditions:
Hereditary diffuse gastric adenocarcinoma (HDGC). Also called: DIFFUSE GASTRIC AND LOBULAR BREAST CANCER SYNDROME. Identifiers: Orphanet 26106, MedGen C1708349, MONDO:0007648, OMIM 137215.
Hereditary cancer-predisposing syndrome. Also called: Hereditary neoplastic syndrome; Neoplastic Syndromes, Hereditary; Hereditary Cancer Syndrome; Tumor predisposition. Identifiers: Orphanet 140162, MedGen C0027672, MeSH D009386, MONDO:0015356.

Submissions (3):

Ambry Genetics
Classification: Pathogenic for Hereditary cancer-predisposing syndrome. Last evaluated: 2025-07-12. Review status: criteria provided, single submitter. Criteria: Ambry Variant Classification Scheme 2023. Collection method: clinical testing. Allele origin: germline.
Comment: The c.86delT pathogenic mutation, located in coding exon 1 of the CTNNA1 gene, results from a deletion of one nucleotide at nucleotide position 86, causing a translational frameshift with a predicted alternate stop codon (p.L29Wfs*12). This alteration is expected to result in loss of function by premature protein truncation or nonsense-mediated mRNA decay. As such, this alteration is interpreted as a disease-causing mutation.

Labcorp Genetics (formerly Invitae), Labcorp
Classification: Pathogenic. Last evaluated: 2023-08-31. Review status: criteria provided, single submitter. Criteria: Invitae Variant Classification Sherloc (09022015). Collection method: clinical testing. Allele origin: germline.
Comment: This sequence change creates a premature translational stop signal (p.Leu29Trpfs*12) in the CTNNA1 gene. It is expected to result in an absent or disrupted protein product. Loss-of-function variants in CTNNA1 are known to be pathogenic (PMID: 32051609, 34425242). This variant is present in population databases (rs745411817, gnomAD 0.007%). For these reasons, this variant has been classified as Pathogenic. ClinVar contains an entry for this variant (Variation ID: 1416783). This variant has not been reported in the literature in individuals affected with CTNNA1-related conditions.

Myriad Genetics, Inc.
Classification: Pathogenic for Hereditary diffuse gastric adenocarcinoma. Last evaluated: 2023-04-12. Review status: criteria provided, single submitter. Criteria: Myriad Autosomal Dominant, Autosomal Recessive and X-Linked Classification Criteria (2023). Collection method: clinical testing. Allele origin: unknown.
Comment: This variant is considered pathogenic. This variant creates a frameshift predicted to result in premature protein truncation.

Literature cited by the submitters: PubMed 32051609 (cited by Labcorp Genetics (formerly Invitae), Labcorp); PubMed 34425242 (cited by Labcorp Genetics (formerly Invitae), Labcorp).